The following is an entry in ClinVar:

ClinVar aggregate classification (germline): Uncertain significance (1 of 4 stars; one submission).

Conditions:
Primary ciliary dyskinesia. Also called: Ciliary dyskinesia. Identifiers: Orphanet 244, MedGen C0008780, MONDO:0016575, HP:0012265.

Allele frequency attached by ClinVar (database versions not stated): gnomAD 0.00004; TOPMed 0.00011.
gnomAD v4.1: 61 of 1,612,966 alleles (0.0038%); highest among the groups gnomAD compares: Admixed American, 0.1%; no homozygotes.

Submission:

Labcorp Genetics (formerly Invitae), Labcorp
Classification: Uncertain significance for Primary ciliary dyskinesia. Last evaluated: 2025-10-23. Review status: criteria provided, single submitter. Criteria: Invitae Variant Classification Sherloc (09022015). Collection method: clinical testing. Allele origin: germline.
Comment: This sequence change replaces serine, which is neutral and polar, with phenylalanine, which is neutral and non-polar, at codon 1889 of the DNAH8 protein (p.Ser1889Phe). This variant is present in population databases (rs781342164, gnomAD 0.2%). This variant has not been reported in the literature in individuals affected with DNAH8-related conditions. ClinVar contains an entry for this variant (Variation ID: 454583). Invitae Evidence Modeling of protein sequence and biophysical properties (such as structural, functional, and spatial information, amino acid conservation, physicochemical variation, residue mobility, and thermodynamic stability) indicates that this missense variant is expected to disrupt DNAH8 protein function with a positive predictive value of 80%. In summary, the available evidence is currently insufficient to determine the role of this variant in disease. Therefore, it has been classified as a Variant of Uncertain Significance.

NM_001206927.2(DNAH8):c.5666C>T (p.Ser1889Phe)

Gene: DNAH8 (dynein axonemal heavy chain 8; plus strand). Cytogenetic location: 6p21.2.
Variant type: single nucleotide variant.
Coding change: c.5666C>T on transcript NM_001206927.2 (MANE Select); coding-DNA position 5666, C replaced by T.
Protein change: p.Ser1889Phe; replaces serine 1889 with phenylalanine.
Molecular consequence: missense variant.
Genome position (GRCh38, 1-based): chr6:38,853,280, C>T. VCF-style: chr6-38853280-C-T. GRCh37 (hg19) VCF-style: chr6-38821056-C-T.
Other names: c.5015C>T, p.Ser1672Phe (NM_001371.4); short protein forms S1889F, S1672F.
Identifiers: ClinVar variation 454583 (VCV000454583.17), dbSNP rs781342164, ClinGen allele CA3789446.